The following is an entry in ClinVar:

NM_172107.4(KCNQ2):c.254T>A (p.Leu85Gln)

Gene: KCNQ2 (potassium voltage-gated channel subfamily Q member 2; minus strand). Cytogenetic location: 20q13.33.
Variant type: single nucleotide variant.
Coding change: c.254T>A on transcript NM_172107.4 (MANE Select); coding-DNA position 254, T replaced by A.
Protein change: p.Leu85Gln; replaces leucine 85 with glutamine.
Molecular consequence: missense variant.
Genome position (GRCh38, 1-based): chr20:63,472,210, A>T on the plus strand (T>A on the coding strand, the complement: KCNQ2 is on the minus strand). VCF-style: chr20-63472210-A-T. GRCh37 (hg19) VCF-style: chr20-62103563-A-T.
Other names: c.254T>A, p.Leu85Gln (NM_001382235.1, NM_004518.6, NM_172106.3 and 2 more transcripts); short protein forms L85Q.
Identifiers: ClinVar variation 2711273 (VCV002711273.3), dbSNP rs2082233689, ClinGen allele CA409635061.

ClinVar aggregate classification (germline): Uncertain significance (1 of 4 stars; one submission).

Conditions:
Early-infantile DEE. Also called: Early infantile epileptic encephalopathy with suppression bursts; Early infantile epileptic encephalopathy; Ohtahara syndrome. Identifiers: Orphanet 1934, MedGen C0393706, MONDO:0800491.

Submission:

Labcorp Genetics (formerly Invitae), Labcorp
Classification: Uncertain significance for Early-infantile DEE. Last evaluated: 2024-01-25. Review status: criteria provided, single submitter. Criteria: Invitae Variant Classification Sherloc (09022015). Collection method: clinical testing. Allele origin: germline.
Comment: This sequence change replaces leucine, which is neutral and non-polar, with glutamine, which is neutral and polar, at codon 85 of the KCNQ2 protein (p.Leu85Gln). This variant is not present in population databases (gnomAD no frequency). This variant has not been reported in the literature in individuals affected with KCNQ2-related conditions. Advanced modeling of protein sequence and biophysical properties (such as structural, functional, and spatial information, amino acid conservation, physicochemical variation, residue mobility, and thermodynamic stability) performed at Invitae indicates that this missense variant is expected to disrupt KCNQ2 protein function with a positive predictive value of 95%. In summary, the available evidence is currently insufficient to determine the role of this variant in disease. Therefore, it has been classified as a Variant of Uncertain Significance.